The following is an entry in ClinVar:

ClinVar aggregate classification (germline): Pathogenic (1 of 4 stars; one submission).

Conditions:
Glucose-6-phosphate transport defect (GSD1B). Also called: GSD Ib; Glycogen Storage Disease Type Ib. Identifiers: Orphanet 364, Orphanet 79259, MedGen C0268146, MONDO:0009288, OMIM 232220.

Submission:

Labcorp Genetics (formerly Invitae), Labcorp
Classification: Pathogenic for Glucose-6-phosphate transport defect. Last evaluated: 2024-02-08. Review status: criteria provided, single submitter. Criteria: Invitae Variant Classification Sherloc (09022015). Collection method: clinical testing. Allele origin: germline.
Comment: This sequence change creates a premature translational stop signal (p.Cys176Trpfs*35) in the SLC37A4 gene. It is expected to result in an absent or disrupted protein product. Loss-of-function variants in SLC37A4 are known to be pathogenic (PMID: 9758626, 10940311). This variant is not present in population databases (gnomAD no frequency). This variant has not been reported in the literature in individuals affected with SLC37A4-related conditions. For these reasons, this variant has been classified as Pathogenic.

Literature cited by the submitters: PubMed 9758626; PubMed 10940311.

NM_001164277.2(SLC37A4):c.528_530del (p.Cys176_Val177delinsTrp)

Gene: SLC37A4 (solute carrier family 37 member 4; minus strand). Cytogenetic location: 11q23.3.
Variant type: Deletion.
Coding change: c.528_530del on transcript NM_001164277.2 (MANE Select); coding-DNA positions 528 to 530, 3 bases deleted.
Protein change: p.Cys176_Val177delinsTrp.
Molecular consequence: inframe indel.
Genome position: GRCh38 VCF-style: chr11-119027721-CCACA-C. GRCh37 (hg19) VCF-style: chr11-118898431-CCACA-C.
Other names: c.528_530del, p.Cys176_Val177delinsTrp (NM_001164278.2, NM_001164280.2, NM_001467.6); c.309_311del, p.Cys103_Val104delinsTrp (NM_001164279.2).
Identifiers: ClinVar variation 1454284 (VCV001454284.6), dbSNP rs2134637643, ClinGen allele CA2573146984.